The following is an entry in ClinVar:

ClinVar aggregate classification (germline): Uncertain significance. Review status: criteria provided, multiple submitters, no conflicts (2 of 4 stars). 2 submissions from 2 submitters: Uncertain significance (2). Last evaluated 2026-03-06.

Conditions:
Hereditary cancer-predisposing syndrome. Also called: Hereditary neoplastic syndrome; Tumor predisposition; Neoplastic Syndromes, Hereditary; Hereditary Cancer Syndrome. Identifiers: Orphanet 140162, MedGen C0027672, MeSH D009386, MONDO:0015356.

Submissions (2):

Ambry Genetics
Classification: Uncertain significance for Hereditary cancer-predisposing syndrome. Last evaluated: 2026-03-06. Review status: criteria provided, single submitter. Criteria: Ambry Variant Classification Scheme 2023. Collection method: clinical testing. Allele origin: germline.
Comment: The p.L213Q variant (also known as c.638T>A), located in coding exon 5 of the TSC1 gene, results from a T to A substitution at nucleotide position 638. The leucine at codon 213 is replaced by glutamine, an amino acid with dissimilar properties. This amino acid position is conserved. In addition, the in silico prediction for this alteration is inconclusive. Based on the available evidence, the clinical significance of this variant remains unclear.

GeneDx
Classification: Uncertain significance. Last evaluated: 2024-04-24. Review status: criteria provided, single submitter. Criteria: GeneDx Variant Classification Process June 2021. Collection method: clinical testing. Allele origin: germline. Affected: yes.
Comment: Not observed at significant frequency in large population cohorts (gnomAD); In silico analysis indicates that this missense variant does not alter protein structure/function; Has not been previously published as pathogenic or benign to our knowledge

NM_000368.5(TSC1):c.638T>A (p.Leu213Gln)

Gene: TSC1 (TSC complex subunit 1; minus strand). Cytogenetic location: 9q34.13.
Variant type: single nucleotide variant.
Coding change: c.638T>A on transcript NM_000368.5 (MANE Select); coding-DNA position 638, T replaced by A.
Protein change: p.Leu213Gln; replaces leucine 213 with glutamine.
Molecular consequence: missense variant. On other transcripts: 5 prime UTR variant (5), non-coding transcript variant (5).
Genome position (GRCh38, 1-based): chr9:132,921,844, A>T on the plus strand (T>A on the coding strand, the complement: TSC1 is on the minus strand). VCF-style: chr9-132921844-A-T. GRCh37 (hg19) VCF-style: chr9-135797231-A-T.
Other names: c.638T>A, p.Leu213Gln (NM_001162426.2, NM_001406592.1, NM_001406593.1 and 16 more transcripts); c.485T>A, p.Leu162Gln (NM_001162427.2, NM_001406610.1, NM_001406611.1 and 2 more transcripts); c.275T>A, p.Leu92Gln (NM_001362177.2, NM_001406618.1, NM_001406619.1 and 10 more transcripts); c.-240T>A (NM_001406626.1, NM_001406627.1, NM_001406628.1); c.-382T>A (NM_001406629.1); c.-456T>A (NM_001406630.1); short protein forms L162Q, L213Q, L92Q.
Identifiers: ClinVar variation 3369930 (VCV003369930.2).
Genomic context (GRCh38, chr9:132,921,844, plus strand): 5'-ACTAAGTAGCAAACAAACAAGCAGTTTCAATTTACCTTGACCACTTCTTCAAAAGTCTCC[A>T]GGTTTTCTTTCATACTGTAATGAGAACGCAAAAAGGAGACGAAGTTGCAAGGGTACATTC-3'
Protein context (NP_000359.1, residues 203-223): LRSHYSMKEN[Leu213Gln]ETFEEVVKPM